The following is an entry in ClinVar:

NM_020778.5(ALPK3):c.3104G>A (p.Cys1035Tyr)

Gene: ALPK3 (alpha kinase 3; plus strand). Cytogenetic location: 15q25.3.
Variant type: single nucleotide variant.
Coding change: c.3104G>A on transcript NM_020778.5 (MANE Select); coding-DNA position 3104, G replaced by A.
Protein change: p.Cys1035Tyr; replaces cysteine 1035 with tyrosine.
Molecular consequence: missense variant.
Genome position (GRCh38, 1-based): chr15:84,857,842, G>A. VCF-style: chr15-84857842-G-A. GRCh37 (hg19) VCF-style: chr15-85401073-G-A.
Other names: short protein forms C1035Y.
Identifiers: ClinVar variation 1433321 (VCV001433321.12), dbSNP rs758388457, ClinGen allele CA7709554.
Genomic context (GRCh38, chr15:84,857,842, plus strand): 5'-TGGAGCGTGTGGAGAACAACCACCTGGTGCAGAGTGCACAGACCCTGCTGCTGAGCCCCT[G>A]TACCTCCCGCCGCCTCACCGGCCTCCTGGACCGTGAGGTGCAGGCTGGCCGCCAGGCCCT-3'
Protein context (NP_065829.4, residues 1025-1045): QSAQTLLLSP[Cys1035Tyr]TSRRLTGLLD

ClinVar aggregate classification (germline): Uncertain significance. Review status: criteria provided, multiple submitters, no conflicts (2 of 4 stars). 4 submissions from 4 submitters: Uncertain significance (4). Last evaluated 2025-10-16.

Conditions:
ALPK3-related disorder. Also called: ALPK3-related condition.
Cardiomyopathy, familial hypertrophic 27. Identifiers: MedGen C4748014, MONDO:0054838, OMIM 618052.
Cardiovascular phenotype. Identifiers: MedGen CN230736.

Allele frequency attached by ClinVar (database versions not stated): ExAC 0.00001; gnomAD exomes 0.00001; TOPMed 0.00002; gnomAD 0.00003.
gnomAD v4.1: 38 of 1,611,720 alleles (0.0024%); highest among the groups gnomAD compares: Admixed American, 0.0033%; no homozygotes.

Submissions (4):

PreventionGenetics, part of Exact Sciences
Classification: Uncertain significance for ALPK3-related condition. Last evaluated: 2025-10-16. Review status: criteria provided, single submitter. Criteria: ACMG Guidelines, 2015. Collection method: clinical testing. Allele origin: germline.
Comment: The ALPK3 c.3710G>A variant is predicted to result in the amino acid substitution p.Cys1237Tyr. To our knowledge, this variant has not been reported in the literature. This variant is reported in 0.0018% of alleles in individuals of European (Non-Finnish) descent in gnomAD. At this time, the clinical significance of this variant is uncertain due to the absence of conclusive functional and genetic evidence.

Labcorp Genetics (formerly Invitae), Labcorp
Classification: Uncertain significance. Last evaluated: 2025-09-16. Review status: criteria provided, single submitter. Criteria: Invitae Variant Classification Sherloc (09022015). Collection method: clinical testing. Allele origin: germline.
Comment: This sequence change replaces cysteine, which is neutral and slightly polar, with tyrosine, which is neutral and polar, at codon 1237 of the ALPK3 protein (p.Cys1237Tyr). This variant is present in population databases (rs758388457, gnomAD 0.002%). This variant has not been reported in the literature in individuals affected with ALPK3-related conditions. ClinVar contains an entry for this variant (Variation ID: 1433321). Invitae Evidence Modeling of protein sequence and biophysical properties (such as structural, functional, and spatial information, amino acid conservation, physicochemical variation, residue mobility, and thermodynamic stability) indicates that this missense variant is expected to disrupt ALPK3 protein function with a positive predictive value of 80%. In summary, the available evidence is currently insufficient to determine the role of this variant in disease. Therefore, it has been classified as a Variant of Uncertain Significance.

ARUP Laboratories, Molecular Genetics and Genomics, ARUP Laboratories
Classification: Uncertain significance for Cardiomyopathy, familial hypertrophic 27. Last evaluated: 2024-03-21. Review status: criteria provided, single submitter. Criteria: ARUP Molecular Germline Variant Investigation Process 2024. Collection method: clinical testing. Allele origin: germline.
Comment: The ALPK3 c.3104G>A; p.Cys1035Tyr variant (rs758388457), to our knowledge, is not reported in the medical literature but is reported in ClinVar (Variation ID: 1433321). This variant is found in the non-Finnish European population with an allele frequency of 0.002% (2/111,184 alleles) in the Genome Aggregation Database (v2.1.1). Computational analyses predict that this variant is neutral (REVEL: 0.11). However, due to limited information, the clinical significance of this variant is uncertain at this time.

Ambry Genetics
Classification: Uncertain significance for Cardiovascular phenotype. Last evaluated: 2024-01-22. Review status: criteria provided, single submitter. Criteria: Ambry Variant Classification Scheme 2023. Collection method: clinical testing. Allele origin: germline.
Comment: The p.C1237Y variant (also known as c.3710G>A), located in coding exon 6 of the ALPK3 gene, results from a G to A substitution at nucleotide position 3710. The cysteine at codon 1237 is replaced by tyrosine, an amino acid with highly dissimilar properties. This amino acid position is conserved. In addition, this alteration is predicted to be tolerated by in silico analysis. Since supporting evidence is limited at this time, the clinical significance of this alteration remains unclear.